The following is an entry in ClinVar:

ClinVar aggregate classification (germline): Benign (0 of 4 stars; one submission).

Conditions:
PPP1R9A-related disorder. Also called: PPP1R9A-related condition.

Allele frequency attached by ClinVar (database versions not stated): ExAC 0.00359; 1000 Genomes Project 0.01318; 1000 Genomes Project 30x 0.01390; ESP Exome Variant Server 0.01392.
gnomAD v4.1: 3,378 of 1,613,858 alleles (0.21%); highest among the groups gnomAD compares: African/African-American, 3.9%; 61 homozygotes.

Submission:

PreventionGenetics, part of Exact Sciences
Classification: Benign for PPP1R9A-related condition. Last evaluated: 2020-01-06. Review status: no assertion criteria provided. Collection method: clinical testing. Allele origin: germline.
Comment: This variant is classified as benign based on ACMG/AMP sequence variant interpretation guidelines (Richards et al. 2015 PMID: 25741868, with internal and published modifications).

NM_001166160.2(PPP1R9A):c.2480G>C (p.Gly827Ala)

Gene: PPP1R9A (protein phosphatase 1 regulatory subunit 9A; plus strand). Cytogenetic location: 7q21.3.
Variant type: single nucleotide variant.
Coding change: c.2480G>C on transcript NM_001166160.2 (MANE Select); coding-DNA position 2480, G replaced by C.
Protein change: p.Gly827Ala; replaces glycine 827 with alanine.
Molecular consequence: missense variant.
Genome position (GRCh38, 1-based): chr7:95,251,845, G>C. VCF-style: chr7-95251845-G-C. GRCh37 (hg19) VCF-style: chr7-94881157-G-C.
Other names: c.2414G>C, p.Gly805Ala (NM_001166161.1, NM_001166162.1, NM_001166163.1 and 1 more transcripts); short protein forms G805A, G827A.
Identifiers: ClinVar variation 3055521 (VCV003055521.2), dbSNP rs58319274, ClinGen allele CA4349659.